The following is an entry in ClinVar:

ClinVar aggregate classification (germline): Pathogenic (1 of 4 stars; one submission).

Conditions:
Hereditary cancer-predisposing syndrome. Also called: Neoplastic Syndromes, Hereditary; Tumor predisposition; Hereditary neoplastic syndrome; Hereditary Cancer Syndrome. Identifiers: Orphanet 140162, MedGen C0027672, MeSH D009386, MONDO:0015356.

Submission:

Ambry Genetics
Classification: Pathogenic for Hereditary cancer-predisposing syndrome. Last evaluated: 2023-12-27. Review status: criteria provided, single submitter. Criteria: Ambry Variant Classification Scheme 2023. Collection method: clinical testing. Allele origin: germline.
Comment: The c.1665_1666dupCC variant, located in coding exon 7 of the BARD1 gene, results from a duplication of CC at nucleotide position 1665, causing a translational frameshift with a predicted alternate stop codon (p.H556Pfs*5). This variant is considered to be rare based on population cohorts in the Genome Aggregation Database (gnomAD). This alteration is expected to result in loss of function by premature protein truncation or nonsense-mediated mRNA decay. As such, this alteration is interpreted as a disease-causing mutation.

NM_000465.4(BARD1):c.1665_1666dup (p.His556fs)

Gene: BARD1 (BRCA1 associated RING domain 1; minus strand). Cytogenetic location: 2q35.
Variant type: Duplication.
Coding change: c.1665_1666dup on transcript NM_000465.4 (MANE Select); coding-DNA positions 1665 to 1666, 2 bases duplicated (CC; older notation c.1665_1666dupCC).
Protein change: p.His556fs; shifts the reading frame from histidine 556.
Molecular consequence: frameshift variant. On other transcripts: non-coding transcript variant (3), intron variant (1).
Genome position (GRCh38, 1-based): chr2:214,752,458-214,752,459, GG duplicated on the plus strand (CC on the coding strand, the reverse complement: BARD1 is on the minus strand). VCF-style (leftmost placement, unchanged base first): chr2-214752457-T-TGG. GRCh37 (hg19) VCF-style: chr2-215617181-T-TGG.
Other names: c.1608_1609dup, p.His537fs (NM_001282543.2); c.312_313dup, p.His105fs (NM_001282545.2); c.255_256dup, p.His86fs (NM_001282548.2); c.365-21951_365-21950dup (NM_001282549.2); short protein forms H556fs, H86fs, H105fs, H537fs.
Identifiers: ClinVar variation 3231774 (VCV003231774.1), dbSNP rs2469377585, ClinGen allele CA2825001077.